The following is an entry in ClinVar:

ClinVar aggregate classification (germline): Likely benign (0 of 4 stars; one submission).

Conditions:
GIT1-related disorder. Also called: GIT1-related condition.

Allele frequency attached by ClinVar (database versions not stated): ESP Exome Variant Server 0.00008; ExAC 0.00013; gnomAD 0.00027; gnomAD exomes 0.00033.
gnomAD v4.1: 560 of 1,613,866 alleles (0.035%); highest among the groups gnomAD compares: Non-Finnish European, 0.042%; no homozygotes.

Submission:

PreventionGenetics, part of Exact Sciences
Classification: Likely benign for GIT1-related condition. Last evaluated: 2019-03-07. Review status: no assertion criteria provided. Collection method: clinical testing. Allele origin: germline.
Comment: This variant is classified as likely benign based on ACMG/AMP sequence variant interpretation guidelines (Richards et al. 2015 PMID: 25741868, with internal and published modifications).

NM_014030.4(GIT1):c.1254C>T (p.Asp418=)

Genes: GIT1 (GIT ArfGAP 1; minus strand), TP53I13 (tumor protein p53 inducible protein 13; plus strand). Cytogenetic location: 17q11.2.
Variant type: single nucleotide variant.
Coding change: c.1254C>T on transcript NM_014030.4 (MANE Select); coding-DNA position 1254, C replaced by T.
Protein change: p.Asp418=; no amino-acid change (aspartic acid 418 retained).
Molecular consequence: synonymous variant.
Genome position (GRCh38, 1-based): chr17:29,576,648, G>A on the plus strand (C>T on the coding strand, the complement: GIT1 is on the minus strand). VCF-style: chr17-29576648-G-A. GRCh37 (hg19) VCF-style: chr17-27903666-G-A.
Other names: c.1281C>T, p.Asp427= (NM_001085454.2).
Identifiers: ClinVar variation 3048055 (VCV003048055.2), dbSNP rs199698909, ClinGen allele CA8476091.
Genomic context (GRCh38, chr17:29,576,648, plus strand): 5'-TGCCTCCGATGTAGCCAGGGCCTTCTTCAGCTCCAGGTACTCCTGCAGCGTCACAGCCCC[G>A]TCAGACAAGTCCGAGGAGTCCATGCTCTGCAGAGAGAGACCTAAGCTGGTCAGCACCTGG-3'
Protein context (NP_054749.2, residues 408-428): ARSMDSSDLS[Asp418=]GAVTLQEYLE